The following is an entry in ClinVar:

ClinVar aggregate classification (germline): Uncertain significance (1 of 4 stars; one submission).

Submission:

GeneDx
Classification: Uncertain significance. Last evaluated: 2025-08-05. Review status: criteria provided, single submitter. Criteria: GeneDx Variant Classification Process June 2021. Collection method: clinical testing. Allele origin: germline. Affected: yes.
Comment: Not observed at significant frequency in large population cohorts (gnomAD); In silico analysis suggests that this missense variant does not alter protein structure/function; Has not been previously published as pathogenic or benign to our knowledge

NM_000525.4(KCNJ11):c.621G>C (p.Lys207Asn)

Gene: KCNJ11 (potassium inwardly rectifying channel subfamily J member 11; minus strand). Cytogenetic location: 11p15.1.
Variant type: single nucleotide variant.
Coding change: c.621G>C on transcript NM_000525.4 (MANE Select); coding-DNA position 621, G replaced by C.
Protein change: p.Lys207Asn; replaces lysine 207 with asparagine.
Molecular consequence: missense variant.
Genome position (GRCh38, 1-based): chr11:17,387,471, C>G on the plus strand (G>C on the coding strand, the complement: KCNJ11 is on the minus strand). VCF-style: chr11-17387471-C-G. GRCh37 (hg19) VCF-style: chr11-17409018-C-G.
Other names: c.360G>C, p.Lys120Asn (NM_001166290.2, NM_001377296.1, NM_001377297.1); short protein forms K120N, K207N.
Identifiers: ClinVar variation 4756061 (VCV004756061.1).